The following is an entry in ClinVar:

ClinVar aggregate classification (germline): Uncertain significance (1 of 4 stars; one submission).

Conditions:
Hereditary diffuse gastric adenocarcinoma (HDGC). Also called: DIFFUSE GASTRIC AND LOBULAR BREAST CANCER SYNDROME. Identifiers: Orphanet 26106, MedGen C1708349, MONDO:0007648, OMIM 137215.

Submission:

Labcorp Genetics (formerly Invitae), Labcorp
Classification: Uncertain significance for Hereditary diffuse gastric adenocarcinoma. Last evaluated: 2019-01-02. Review status: criteria provided, single submitter. Criteria: Invitae Variant Classification Sherloc (09022015). Collection method: clinical testing. Allele origin: germline.
Comment: In summary, the available evidence is currently insufficient to determine the role of this variant in disease. Therefore, it has been classified as a Variant of Uncertain Significance. Algorithms developed to predict the effect of missense changes on protein structure and function (SIFT, PolyPhen-2, Align-GVGD) all suggest that this variant is likely to be tolerated, but these predictions have not been confirmed by published functional studies and their clinical significance is uncertain. This variant has not been reported in the literature in individuals with CDH1-related conditions. This variant is not present in population databases (ExAC no frequency). This sequence change replaces asparagine with lysine at codon 666 of the CDH1 protein (p.Asn666Lys). The asparagine residue is moderately conserved and there is a moderate physicochemical difference between asparagine and lysine.

NM_004360.5(CDH1):c.1998T>A (p.Asn666Lys)

Gene: CDH1 (cadherin 1; plus strand). Cytogenetic location: 16q22.1.
Variant type: single nucleotide variant.
Coding change: c.1998T>A on transcript NM_004360.5 (MANE Select); coding-DNA position 1998, T replaced by A.
Protein change: p.Asn666Lys; replaces asparagine 666 with lysine.
Molecular consequence: missense variant.
Genome position (GRCh38, 1-based): chr16:68,823,460, T>A. VCF-style: chr16-68823460-T-A. GRCh37 (hg19) VCF-style: chr16-68857363-T-A.
Other names: c.1815T>A, p.Asn605Lys (NM_001317184.2); c.450T>A, p.Asn150Lys (NM_001317185.2); c.33T>A, p.Asn11Lys (NM_001317186.2); short protein forms N150K, N666K, N605K, N11K.
Identifiers: ClinVar variation 838452 (VCV000838452.10), dbSNP rs1167042883, ClinGen allele CA396467631.
Genomic context (GRCh38, chr16:68,823,460, plus strand): 5'-CCAAGAATCTATCATTTTGAAGCCAAAGATGGCCTTAGAGGTGGGTGACTACAAAATCAA[T>A]CTCAAGCTCATGGATAACCAGAATAAAGACCAAGTGACCACCTTAGAGGTCAGCGTGTGT-3'
Protein context (NP_004351.1, residues 656-676): MALEVGDYKI[Asn666Lys]LKLMDNQNKD